The following is an entry in ClinVar:

ClinVar aggregate classification (germline): Likely benign. Review status: criteria provided, multiple submitters, no conflicts (2 of 4 stars). 3 submissions from 3 submitters: Likely benign (3). Last evaluated 2026-01-25.

Conditions:
Dilated cardiomyopathy 1G (CMD1G). Identifiers: Orphanet 154, MedGen C1858763, MONDO:0011400, OMIM 604145.
Autosomal recessive limb-girdle muscular dystrophy type 2J (LGMDR10). Also called: Limb-girdle muscular dystrophy, type 2J; MUSCULAR DYSTROPHY, LIMB-GIRDLE, AUTOSOMAL RECESSIVE 10. Identifiers: Orphanet 140922, MedGen C1837342, MONDO:0012127, OMIM 608807.
Cardiovascular phenotype. Identifiers: MedGen CN230736.

Allele frequency attached by ClinVar (database versions not stated): TOPMed below 0.00001; gnomAD 0.00001 and 0.00003; gnomAD exomes 0.00003.
gnomAD v4.1: 46 of 1,613,764 alleles (0.0029%); highest among the groups gnomAD compares: East Asian, 0.1%; no homozygotes.

Submissions (3):

Labcorp Genetics (formerly Invitae), Labcorp
Classification: Likely benign for Dilated cardiomyopathy 1G; Autosomal recessive limb-girdle muscular dystrophy type 2J. Last evaluated: 2026-01-25. Review status: criteria provided, single submitter. Criteria: Invitae Variant Classification Sherloc (09022015). Collection method: clinical testing. Allele origin: germline.

Ambry Genetics
Classification: Likely benign for Cardiovascular phenotype. Last evaluated: 2023-12-12. Review status: criteria provided, single submitter. Criteria: Ambry Variant Classification Scheme 2023. Collection method: clinical testing. Allele origin: germline.

GeneDx
Classification: Likely benign. Last evaluated: 2017-05-11. Review status: criteria provided, single submitter. Criteria: GeneDx Variant Classification (06012015). Collection method: clinical testing. Allele origin: germline. Affected: yes.
Comment: This variant is considered likely benign or benign based on one or more of the following criteria: it is a conservative change, it occurs at a poorly conserved position in the protein, it is predicted to be benign by multiple in silico algorithms, and/or has population frequency not consistent with disease.

NM_001267550.2(TTN):c.101409C>T (p.Ser33803=)

Genes: TTN (titin; minus strand), TTN-AS1 (TTN antisense RNA 1; plus strand). Cytogenetic location: 2q31.2.
Variant type: single nucleotide variant.
Coding change: c.101409C>T on transcript NM_001267550.2 (MANE Select); coding-DNA position 101409, C replaced by T.
Protein change: p.Ser33803=; no amino-acid change (serine 33803 retained).
Molecular consequence: synonymous variant.
Genome position (GRCh38, 1-based): chr2:178,535,206, G>A on the plus strand (C>T on the coding strand, the complement: TTN is on the minus strand). VCF-style: chr2-178535206-G-A. GRCh37 (hg19) VCF-style: chr2-179399933-G-A.
Other names: c.96486C>T, p.Ser32162= (NM_001256850.1); c.74214C>T, p.Ser24738= (NM_003319.4); c.93705C>T, p.Ser31235= (NM_133378.4); c.74589C>T, p.Ser24863= (NM_133432.3); c.74790C>T, p.Ser24930= (NM_133437.4).
Identifiers: ClinVar variation 509609 (VCV000509609.6), dbSNP rs1387260088, ClinGen allele CA430237832.